The following is an entry in ClinVar:

NM_001035.3(RYR2):c.1268T>C (p.Val423Ala)

Gene: RYR2 (ryanodine receptor 2; plus strand). Cytogenetic location: 1q43.
Variant type: single nucleotide variant.
Coding change: c.1268T>C on transcript NM_001035.3 (MANE Select); coding-DNA position 1268, T replaced by C.
Protein change: p.Val423Ala; replaces valine 423 with alanine.
Molecular consequence: missense variant.
Genome position (GRCh38, 1-based): chr1:237,445,498, T>C. VCF-style: chr1-237445498-T-C. GRCh37 (hg19) VCF-style: chr1-237608798-T-C.
Other names: c.1268T>C (NM_001035.2); short protein forms V423A.
Identifiers: ClinVar variation 3071727 (VCV003071727.3), dbSNP rs2528381092, ClinGen allele CA345377821.

ClinVar aggregate classification (germline): Uncertain significance. Review status: criteria provided, multiple submitters, no conflicts (2 of 4 stars). 3 submissions from 3 submitters: Uncertain significance (3). Last evaluated 2025-01-13.

Conditions:
Catecholaminergic polymorphic ventricular tachycardia (CVPT). Also called: Catecholamine-induced polymorphic ventricular tachycardia. Identifiers: Orphanet 3286, MedGen C5574922, MONDO:0017990.

Allele frequency attached by ClinVar (database versions not stated): gnomAD exomes below 0.00001.

Submissions (3):

GeneDx
Classification: Uncertain significance. Last evaluated: 2025-01-13. Review status: criteria provided, single submitter. Criteria: GeneDx Variant Classification Process June 2021. Collection method: clinical testing. Allele origin: germline. Affected: yes.
Comment: Not observed at significant frequency in large population cohorts (gnomAD); In silico analysis indicates that this missense variant does not alter protein structure/function; Has not been previously published as pathogenic or benign to our knowledge; Located in one of the three hot-spot regions of the RYR2 gene, where the majority of pathogenic missense variants occur (PMID: 19926015); This variant is associated with the following publications: (PMID: 19926015)

All of Us Research Program, National Institutes of Health
Classification: Uncertain significance for Catecholaminergic polymorphic ventricular tachycardia. Last evaluated: 2023-06-28. Review status: criteria provided, single submitter. Criteria: ACMG Guidelines, 2015. Collection method: clinical testing. Allele origin: germline. Inheritance: Autosomal dominant inheritance. Observed: 1 variant allele, 1 heterozygote.
Comment: This study involves interpretation of variants in research participants for the purpose of population health screening. Participant phenotype was not available at the time of variant classification. Additional details can be found in publication PMID: 35346344, PMCID: PMC8962531

Blueprint Genetics
Classification: Uncertain significance. Last evaluated: 2022-08-30. Review status: criteria provided, single submitter. Criteria: ACMG Guidelines, 2015. Collection method: clinical testing. Allele origin: germline.